The following is an entry in ClinVar:

NM_001273.5(CHD4):c.1712T>C (p.Phe571Ser)

Gene: CHD4 (chromodomain helicase DNA binding protein 4; minus strand). Cytogenetic location: 12p13.31.
Variant type: single nucleotide variant.
Coding change: c.1712T>C on transcript NM_001273.5 (MANE Select); coding-DNA position 1712, T replaced by C.
Protein change: p.Phe571Ser; replaces phenylalanine 571 with serine.
Molecular consequence: missense variant.
Genome position (GRCh38, 1-based): chr12:6,598,074, A>G on the plus strand (T>C on the coding strand, the complement: CHD4 is on the minus strand). VCF-style: chr12-6598074-A-G. GRCh37 (hg19) VCF-style: chr12-6707240-A-G.
Other names: c.1691T>C, p.Phe564Ser (NM_001297553.2); c.1673T>C, p.Phe558Ser (NM_001363606.2); short protein forms F558S, F564S, F571S.
Identifiers: ClinVar variation 4536334 (VCV004536334.1).
Genomic context (GRCh38, chr12:6,598,074, plus strand): 5'-TCACCACCAAAGTCCCCAGAAGGTGGCTCATCCATATCATTCTTCCGCTGATAGTTTCGG[A>G]ACATCACCTGACAGTGCAGCTCCAGCTTTGAGCGGAAAGAGAAAATCAGCCACCAAGAAG-3'
Protein context (NP_001264.2, residues 561-581): LQLELHCQVM[Phe571Ser]RNYQRKNDMD

ClinVar aggregate classification (germline): Uncertain significance (1 of 4 stars; one submission).

Submission:

GeneDx
Classification: Uncertain significance. Last evaluated: 2025-06-01. Review status: criteria provided, single submitter. Criteria: GeneDx Variant Classification Process June 2021. Collection method: clinical testing. Allele origin: germline. Affected: yes.
Comment: Not observed at significant frequency in large population cohorts (gnomAD); In silico analysis supports that this missense variant has a deleterious effect on protein structure/function; Has not been previously published as pathogenic or benign to our knowledge